The following is an entry in ClinVar:

NM_000441.2(SLC26A4):c.1001+1G>A

Gene: SLC26A4 (solute carrier family 26 member 4; plus strand). Cytogenetic location: 7q22.3.
Variant type: single nucleotide variant.
Coding change: c.1001+1G>A on transcript NM_000441.2 (MANE Select); the canonical splice donor site of the intron after coding-DNA position 1001, G replaced by A.
Molecular consequence: splice donor variant.
Genome position (GRCh38, 1-based): chr7:107,683,538, G>A. VCF-style: chr7-107683538-G-A. GRCh37 (hg19) VCF-style: chr7-107323983-G-A.
Other names: IVS8, G-A, +1.
Identifiers: ClinVar variation 4819 (VCV000004819.65), dbSNP rs80338849, ClinGen allele CA261396.

ClinVar aggregate classification (germline): Pathogenic. Review status: criteria provided, multiple submitters, no conflicts (2 of 4 stars). 32 submissions from 30 submitters: Pathogenic (27). 5 of the submissions do not count toward it. Last evaluated 2026-07-02.

Conditions:
SLC26A4-related disorder. Also called: SLC26A4-related condition; SLC26A4-related disorders.
Monogenic hearing loss.
Rare genetic deafness. Identifiers: Orphanet 96210, MedGen C5680250.
Pendred syndrome (PDS). Also called: Pendred's syndrome; Pendred Syndrome (PDS); THYROID DYSHORMONOGENESIS 2B; THYROID HORMONOGENESIS, GENETIC DEFECT IN, 2B; DEAFNESS WITH GOITER; GOITER-DEAFNESS SYNDROME. Identifiers: Orphanet 705, MedGen C0271829, MONDO:0010134, OMIM 274600.
Autosomal recessive nonsyndromic hearing loss 4 (DFNB4). Also called: DEAFNESS, AUTOSOMAL RECESSIVE 4, WITH ENLARGED VESTIBULAR AQUEDUCT, DIGENIC; Nonsyndromic enlarged vestibular aqueduct (NSEVA); Deafness, autosomal recessive 4; Deafness, autosomal recessive 4, with enlarged vestibular aqueduct; FOXI1-Related Pendred Syndrome; KCNJ10-Related Pendred Syndrome. Identifiers: Orphanet 90636, MedGen C3538946, MONDO:0010933, OMIM 600791.

Allele frequency attached by ClinVar (database versions not stated): TOPMed 0.00028; gnomAD 0.00029.
gnomAD v4.1: 454 of 1,612,484 alleles (0.028%); highest among the groups gnomAD compares: Non-Finnish European, 0.036%; no homozygotes.

Submissions 1 to 16 of 33:

Genetics Laboratory, Great Ormond Street Hospital NHS Foundation Trust, North Thames Genomic Laboratory Hub
Classification: Pathogenic for Monogenic hearing loss. Last evaluated: 2026-07-02. Review status: criteria provided, single submitter. Criteria: ACGS Best Practice Guidelines for Variant Classification in Rare Disease 2024 v1.2. Collection method: clinical testing. Allele origin: germline. Affected: yes.
Comment: PVS1_very-strong, PM3_very-strong

Institute of Human Genetics, University of Leipzig Medical Center
Classification: Pathogenic for Autosomal recessive nonsyndromic hearing loss 4. Last evaluated: 2026-04-28. Review status: criteria provided, single submitter. Criteria: ACMG Guidelines, 2015. Collection method: clinical testing. Allele origin: unknown. Inheritance: Autosomal recessive inheritance. Affected: yes.
Comment: Criteria applied: PM3,PP4,PVS1

PreventionGenetics, part of Exact Sciences
Classification: Pathogenic for SLC26A4-related condition. Last evaluated: 2026-04-20. Review status: criteria provided, single submitter. Criteria: ACMG Guidelines, 2015. Collection method: clinical testing. Allele origin: germline.
Comment: The SLC26A4 c.1001+1G>A variant is predicted to disrupt the GT donor site and interfere with normal splicing. This variant has been documented as causative for Pendred syndrome and nonsyndromic hearing loss with enlarged vestibular aqueduct (EVA) (Coyle et al.1998. PubMed ID: 9618167; Ladsous et al. 2014. PubMed ID: 24224479; Beck et al. 2015. PubMed ID: 25214170). This variant is reported in 0.040% of alleles in individuals of European (Non-Finnish) descent in gnomAD. Variants that disrupt the consensus splice donor site in SLC26A4 are expected to be pathogenic. This variant is interpreted as pathogenic.

Labcorp Genetics (formerly Invitae), Labcorp
Classification: Pathogenic. Last evaluated: 2026-01-17. Review status: criteria provided, single submitter. Criteria: Invitae Variant Classification Sherloc (09022015). Collection method: clinical testing. Allele origin: germline.
Comment: This sequence change affects a donor splice site in intron 8 of the SLC26A4 gene. It is expected to disrupt RNA splicing. Variants that disrupt the donor or acceptor splice site typically lead to a loss of protein function (PMID: 16199547), and loss-of-function variants in SLC26A4 are known to be pathogenic (PMID: 16283880, 25394566, 26252218, 26445815). This variant is present in population databases (rs80338849, gnomAD 0.04%). Disruption of this splice site has been observed in individuals with Pendred syndrome (PMID: 9618167, 24224479, 26744121). ClinVar contains an entry for this variant (Variation ID: 4819). Algorithms developed to predict the effect of sequence changes on RNA splicing suggest that this variant may disrupt the consensus splice site. For these reasons, this variant has been classified as Pathogenic.

Otogenetics
Classification: Pathogenic for Autosomal recessive nonsyndromic hearing loss 4; Pendred syndrome. Last evaluated: 2026-01-16. Review status: criteria provided, single submitter. Criteria: ACMG Guidelines, 2015. Collection method: clinical testing. Allele origin: germline.
Comment: PVS1: Null variant occurring in a canonical splice site (donor site) in gene with loss of function as mechanism of disease, disrupting the reading frame and predicted to undergo NMD; PM2: Maximum gnomAD MAF of 0.0363% in European-Non Finnish (NFE) subpopulation (<0.263% threshold); PM3_VeryStrong: Variant reported in trans with 8 pathogenic variants in 9 individuals affected with Pendred syndrome (PMID: 20597900, 24051746, 24599119, 26752218, 27627659, 28273078)

Natera, Inc.
Classification: Pathogenic for Pendred syndrome. Last evaluated: 2025-10-14. Review status: criteria provided, single submitter. Criteria: Natera Variant Classification Schema (03/2026). Collection method: clinical testing. Allele origin: germline.
Comment: The c.1001+1G>A variant in SLC26A4 is a canonical splice donor site variant predicted to affect pre-mRNA splicing, which may result in an abnormal transcript and altered protein product. This variant is expected to result in nonsense mediated decay, truncation, or a dysfunctional protein product. This variant is rare in the general population with a frequency below the threshold expected for the associated phenotype(s). This variant has been observed in one or more individuals affected with the associated recessive disease, as either homozygous or compound heterozygous with a second variant (PMID: 18285825, 17197040, 10443670). Additionally, this variant has been observed to segregate in affected family members (PMID: 18285825, 10443670). Given the available evidence, this variant is classified as Pathogenic.

Department of Human Genetics, Hannover Medical School
Classification: Pathogenic for Autosomal recessive nonsyndromic hearing loss 4. Last evaluated: 2025-04-16. Review status: criteria provided, single submitter. Criteria: ACMG Guidelines, 2015. Collection method: clinical testing. Allele origin: germline. Inheritance: Autosomal recessive inheritance. Affected: yes.
Comment: ClinGen SLC26A4: PVS1, PM3_VeryStrong, PP4

Laboratory of Genetics, Children's Clinical University Hospital Latvia
Classification: Pathogenic. Last evaluated: 2025-02-16. Review status: criteria provided, single submitter. Criteria: ACMG Guidelines, 2015. Collection method: clinical testing. Allele origin: germline. Affected: yes.

Blueprint Genetics
Classification: Pathogenic for SLC26A4-related disorders. Last evaluated: 2024-10-16. Review status: criteria provided, single submitter. Criteria: ACMG Guidelines, 2015. Collection method: clinical testing. Allele origin: germline. Affected: yes. Observed: 5 variant alleles.

Baylor Genetics
Classification: Pathogenic for Autosomal recessive nonsyndromic hearing loss 4. Last evaluated: 2024-03-26. Review status: criteria provided, single submitter. Criteria: ACMG Guidelines, 2015. Collection method: clinical testing. Allele origin: unknown.

Fulgent Genetics
Classification: Pathogenic for Pendred syndrome; Autosomal recessive nonsyndromic hearing loss 4. Last evaluated: 2024-03-26. Review status: criteria provided, single submitter. Criteria: ACMG Guidelines, 2015. Collection method: clinical testing. Allele origin: germline.

Clinical Genetics Laboratory, Skane University Hospital Lund
Classification: Pathogenic. Last evaluated: 2022-07-13. Review status: criteria provided, single submitter. Criteria: ACMG Guidelines, 2015. Collection method: clinical testing. Allele origin: germline. Affected: yes.

Women's Health and Genetics/Laboratory Corporation of America, LabCorp
Classification: Pathogenic for Pendred syndrome. Last evaluated: 2022-03-31. Review status: criteria provided, single submitter. Criteria: LabCorp Variant Classification Summary - May 2015. Collection method: clinical testing. Allele origin: germline.
Comment: Variant summary: SLC26A4 c.1001+1G>A is located in a canonical splice-site and is predicted to affect mRNA splicing resulting in a significantly altered protein due to either exon skipping, shortening, or inclusion of intronic material. Several computational tools predict a significant impact on normal splicing: Three predict the variant abolishes the canonical 5' splicing donor site. However, to our knowledge, these predictions have yet to be confirmed by functional studies. The variant allele was found at a frequency of 0.0002 in 250282 control chromosomes. This frequency is not significantly higher than estimated for a pathogenic variant in SLC26A4 causing Pendred Syndrome (0.0002 vs 0.0035), allowing no conclusion about variant significance. c.1001+1G>A has been reported in the literature in multiple individuals affected with Pendred Syndrome (example, Coyle_1998, Pera_2008). These data indicate that the variant is very likely to be associated with disease. To our knowledge, no experimental evidence demonstrating an impact on protein function has been reported. Multiple clinical diagnostic laboratories have submitted clinical-significance assessments for this variant to ClinVar after 2014 without evidence for independent evaluation. All laboratories classified the variant as pathogenic. Based on the evidence outlined above, the variant was classified as pathogenic.

GeneDx
Classification: Pathogenic. Last evaluated: 2022-02-01. Review status: criteria provided, single submitter. Criteria: GeneDx Variant Classification Process June 2021. Collection method: clinical testing. Allele origin: germline. Affected: yes.
Comment: Canonical splice site variant predicted to result in a null allele in a gene for which loss-of-function is a known mechanism of disease; This variant is associated with the following publications: (PMID: 24224479, 10718825, 9618167, 22975760, 23273637, 25525159, 11919333, 18285825, 11317356, 14508505, 17309986, 20597900, 15689455, 25214170, 26744121, 20301640, 9618166, 30484383, 24963352, 31827275, 31980526, 31589614)

Department of Pathology and Laboratory Medicine, Sinai Health System
Classification: Pathogenic for Pendred syndrome. Last evaluated: 2022-01-14. Review status: criteria provided, single submitter. Criteria: ACMG Guidelines, 2015. Collection method: research. Allele origin: germline.

Genome-Nilou Lab
Classification: Pathogenic for Autosomal recessive nonsyndromic hearing loss 4. Last evaluated: 2021-09-05. Review status: criteria provided, single submitter. Criteria: ACMG Guidelines, 2015. Collection method: clinical testing. Allele origin: germline. Affected: no.